The following is an entry in ClinVar:

ClinVar aggregate classification (germline): Uncertain significance. Review status: criteria provided, single submitter (1 of 4 stars). 2 submissions from 2 submitters: Uncertain significance (1). 1 of the submissions does not count toward it. Last evaluated 2025-05-28.

Conditions:
PLXNA1-related disorder. Also called: PLXNA1-related condition.

Allele frequency attached by ClinVar (database versions not stated): ExAC 0.00001; gnomAD 0.00003; TOPMed 0.00004.
gnomAD v4.1: 30 of 1,611,814 alleles (0.0019%); highest among the groups gnomAD compares: Admixed American, 0.0033%; no homozygotes.

Submissions (2):

Ambry Genetics
Classification: Uncertain significance. Last evaluated: 2025-05-28. Review status: criteria provided, single submitter. Criteria: Ambry Variant Classification Scheme 2023. Collection method: clinical testing. Allele origin: germline.

PreventionGenetics, part of Exact Sciences
Classification: Uncertain significance for PLXNA1-related condition. Last evaluated: 2024-06-21. Review status: no assertion criteria provided. Collection method: clinical testing. Allele origin: germline. Not counted in ClinVar's aggregate classification.
Comment: The PLXNA1 c.1852C>T variant is predicted to result in the amino acid substitution p.Arg618Cys. To our knowledge, this variant has not been reported in the literature. This variant is reported in 0.0045% of alleles in individuals of European (Non-Finnish) descent in gnomAD. At this time, the clinical significance of this variant is uncertain due to the absence of conclusive functional and genetic evidence.

NM_032242.4(PLXNA1):c.1852C>T (p.Arg618Cys)

Gene: PLXNA1 (plexin A1; plus strand). Cytogenetic location: 3q21.3.
Variant type: single nucleotide variant.
Coding change: c.1852C>T on transcript NM_032242.4 (MANE Select); coding-DNA position 1852, C replaced by T.
Protein change: p.Arg618Cys; replaces arginine 618 with cysteine.
Molecular consequence: missense variant.
Genome position (GRCh38, 1-based): chr3:127,005,198, C>T. VCF-style: chr3-127005198-C-T. GRCh37 (hg19) VCF-style: chr3-126724041-C-T.
Other names: short protein forms R618C.
Identifiers: ClinVar variation 2515444 (VCV002515444.5), dbSNP rs762958945, ClinGen allele CA2593381.
Genomic context (GRCh38, chr3:127,005,198, plus strand): 5'-TGCTCCTTCGAGGACTTCACGGAATCTGAGAGCGTCCTGGAGGATGGCCGGATCCACTGC[C>T]GCTCACCCTCCGCCCGGGAGGTGGCGCCCATCACGCGGGGCCAGGGTGAGTGGCCCCAAC-3'
Protein context (NP_115618.3, residues 608-628): SVLEDGRIHC[Arg618Cys]SPSAREVAPI